The following is an entry in ClinVar:

ClinVar aggregate classification (germline): Uncertain significance (1 of 4 stars; one submission).

gnomAD v4.1: 13 of 1,613,562 alleles (0.00081%); highest among the groups gnomAD compares: Non-Finnish European, 0.0011%; no homozygotes.

Submission:

Labcorp Genetics (formerly Invitae), Labcorp
Classification: Uncertain significance. Last evaluated: 2025-04-17. Review status: criteria provided, single submitter. Criteria: Invitae Variant Classification Sherloc (09022015). Collection method: clinical testing. Allele origin: germline.
Comment: This sequence change replaces serine, which is neutral and polar, with proline, which is neutral and non-polar, at codon 155 of the NUP62 protein (p.Ser155Pro). This variant is present in population databases (rs756259777, gnomAD 0.0009%). This variant has not been reported in the literature in individuals affected with NUP62-related conditions. An algorithm developed to predict the effect of missense changes on protein structure and function outputs the following: PolyPhen-2: "Benign". The proline amino acid residue is found in multiple mammalian species, which suggests that this missense change does not adversely affect protein function. In summary, the available evidence is currently insufficient to determine the role of this variant in disease. Therefore, it has been classified as a Variant of Uncertain Significance.

NM_016553.5(NUP62):c.463T>C (p.Ser155Pro)

Genes: IL4I1 (interleukin 4 induced 1; minus strand), NUP62 (nucleoporin 62; minus strand). Cytogenetic location: 19q13.33.
Variant type: single nucleotide variant.
Coding change: c.463T>C on transcript NM_016553.5 (MANE Select); coding-DNA position 463, T replaced by C.
Protein change: p.Ser155Pro; replaces serine 155 with proline.
Molecular consequence: missense variant. On other transcripts: intron variant (3).
Genome position (GRCh38, 1-based): chr19:49,909,345, A>G on the plus strand (T>C on the coding strand, the complement: NUP62 is on the minus strand). VCF-style: chr19-49909345-A-G. GRCh37 (hg19) VCF-style: chr19-50412602-A-G.
Other names: c.463T>C, p.Ser155Pro (NM_001193357.2, NM_012346.5, NM_153718.4 and 1 more transcripts); c.-227-5024T>C (NM_001258017.2, NM_172374.3); c.-285-5024T>C (NM_001258018.2); short protein forms S155P.
Identifiers: ClinVar variation 4805107 (VCV004805107.1).
Genomic context (GRCh38, chr19:49,909,345, plus strand): 5'-AGCCAATGTTGAAACCGGAGGGTTGGGCCGTGCTTCCACCAGTGAATGAGAAGCCTCCAG[A>G]TGTGGTAGCTGGAGCCACAGAGGTGGTGGAGGGGCCAAACACAAAGCCGGTGGGTGCTGT-3'
Protein context (NP_057637.2, residues 145-165): STTSVAPATT[Ser155Pro]GGFSFTGGST